The following is an entry in ClinVar:

NM_001135649.3(FOXI3):c.185G>A (p.Gly62Glu)

Gene: FOXI3 (forkhead box I3; minus strand). Cytogenetic location: 2p11.2.
Variant type: single nucleotide variant.
Coding change: c.185G>A on transcript NM_001135649.3 (MANE Select); coding-DNA position 185, G replaced by A.
Protein change: p.Gly62Glu; replaces glycine 62 with glutamic acid.
Molecular consequence: missense variant.
Genome position (GRCh38, 1-based): chr2:88,452,351, C>T on the plus strand (G>A on the coding strand, the complement: FOXI3 is on the minus strand). VCF-style: chr2-88452351-C-T. GRCh37 (hg19) VCF-style: chr2-88751869-C-T.
Other names: short protein forms G62E.
Identifiers: ClinVar variation 2974529 (VCV002974529.3), dbSNP rs1379940119, ClinGen allele CA347766879.
Genomic context (GRCh38, chr2:88,452,351, plus strand): 5'-GGCGGCGGCGGAGCGCCCAGGTACGCGGCGGCGGCTGCGGCGGCGGCGGAGGGCGGGCCT[C>T]CCACGCCGGGCCCGTTGAGCCACAGGTAGGGGTTGGCGGCGGCGGCCGGCGGCGCGGCGT-3'
Protein context (NP_001129121.1, residues 52-72): PYLWLNGPGV[Gly62Glu]GPPSAAAAAA

ClinVar aggregate classification (germline): Uncertain significance (1 of 4 stars; one submission).

Allele frequency attached by ClinVar (database versions not stated): gnomAD 0.00001; gnomAD exomes 0.00011; TOPMed 0.00001.

Submission:

Labcorp Genetics (formerly Invitae), Labcorp
Classification: Uncertain significance. Last evaluated: 2025-04-14. Review status: criteria provided, single submitter. Criteria: Invitae Variant Classification Sherloc (09022015). Collection method: clinical testing. Allele origin: germline.
Comment: This sequence change replaces glycine, which is neutral and non-polar, with glutamic acid, which is acidic and polar, at codon 62 of the FOXI3 protein (p.Gly62Glu). The frequency data for this variant in the population databases is considered unreliable, as metrics indicate insufficient coverage at this position in the gnomAD database. This variant has not been reported in the literature in individuals affected with FOXI3-related conditions. ClinVar contains an entry for this variant (Variation ID: 2974529). Experimental studies and prediction algorithms are not available or were not evaluated, and the functional significance of this variant is currently unknown. In summary, the available evidence is currently insufficient to determine the role of this variant in disease. Therefore, it has been classified as a Variant of Uncertain Significance.